The following is an entry in ClinVar:

ClinVar aggregate classification (germline): Conflicting classifications of pathogenicity. Review status: criteria provided, conflicting classifications (1 of 4 stars). 8 submissions from 6 submitters: Uncertain significance (1); Benign (2); Likely benign (5). Last evaluated 2026-03-18.

Conditions:
Primary erythromelalgia. Also called: SCN9A Erythromelalgia (SCN9A-EM); primary erythermalgia. Identifiers: Orphanet 306577, Orphanet 90026, MedGen C0014805, MONDO:0007571, OMIM 133020.
SCN9A-related disorder. Also called: SCN9A-related disorders; SCN9A-related condition.
Neuropathy, hereditary sensory and autonomic, type 2A (HSAN2A). Also called: ACROOSTEOLYSIS, GIACCAI TYPE; ACROOSTEOLYSIS, NEUROGENIC; NEUROPATHY, CONGENITAL SENSORY; NEUROPATHY, HEREDITARY SENSORY RADICULAR, AUTOSOMAL RECESSIVE; NEUROPATHY, HEREDITARY SENSORY, TYPE IIA; NEUROPATHY, PROGRESSIVE SENSORY, OF CHILDREN. Identifiers: Orphanet 970, MedGen C2752089, MONDO:0024309, OMIM 201300.
Generalized epilepsy with febrile seizures plus, type 7 (GEFSP7). Also called: GEFS+, TYPE 7. Identifiers: Orphanet 36387, MedGen C2751778, MONDO:0013470, OMIM 613863.
Paroxysmal extreme pain disorder (PEXPD). Also called: SCN9A Paroxysmal Extreme Pain Disorder (SCN9A-PEPD); PAIN, SUBMANDIBULAR, OCULAR, AND RECTAL, WITH FLUSHING; RECTAL PAIN, FAMILIAL. Identifiers: Orphanet 46348, MedGen C1833661, MONDO:0008179, OMIM 167400.
Channelopathy-associated congenital insensitivity to pain, autosomal recessive. Also called: ASYMBOLIA FOR PAIN; Insensitivity to pain, channelopathy-associated; CONGENITAL ANALGESIA, AUTOSOMAL RECESSIVE. Identifiers: Orphanet 88642, Orphanet 970, MedGen C1855739, MONDO:0009459, OMIM 243000.

Allele frequency attached by ClinVar (database versions not stated): gnomAD exomes 0.00008 and 0.00021; ExAC 0.00023; ESP Exome Variant Server 0.00068; gnomAD 0.00075 and 0.00077; TOPMed 0.00079; 1000 Genomes Project 0.00180; 1000 Genomes Project 30x 0.00219.
gnomAD v4.1: 231 of 1,585,242 alleles (0.015%); highest among the groups gnomAD compares: African/African-American, 0.23%; 1 homozygote.

Submissions (8):

PreventionGenetics, part of Exact Sciences
Classification: Likely benign for SCN9A-related condition. Last evaluated: 2026-03-18. Review status: criteria provided, single submitter. Criteria: ACMG Guidelines, 2015. Collection method: clinical testing. Allele origin: germline.
Comment: This variant is classified as likely benign based on ACMG/AMP sequence variant interpretation guidelines (Richards et al. 2015 PMID: 25741868, with internal and published modifications).

Women's Health and Genetics/Laboratory Corporation of America, LabCorp
Classification: Likely benign. Last evaluated: 2026-03-03. Review status: criteria provided, single submitter. Criteria: LabCorp Variant Classification Summary - May 2015. Collection method: clinical testing. Allele origin: germline.
Comment: Variant summary: SCN9A c.2987G>A (p.Arg996His) results in a non-conservative amino acid change in the encoded protein sequence. Algorithms developed to predict the effect of missense changes on protein structure and function are either unavailable or do not agree on the potential impact of this missense change. The variant allele was found at a frequency of 0.00021 in 227824 control chromosomes, predominantly at a frequency of 0.0023 within the African or African-American subpopulation in the gnomAD database, including 1 homozygotes. The observed variant frequency within African or African-American control individuals in the gnomAD database exceeds the estimated maximal expected allele frequency for disease-causing variants in SCN9A. To our knowledge, no occurrence of c.2987G>A in individuals affected with SCN9A-related conditions and no experimental evidence demonstrating its impact on protein function have been reported. ClinVar contains an entry for this variant (Variation ID: 331974). Based on the evidence outlined above, the variant was classified as likely benign.

Labcorp Genetics (formerly Invitae), Labcorp
Classification: Likely benign for Neuropathy, hereditary sensory and autonomic, type 2A; Generalized epilepsy with febrile seizures plus, type 7. Last evaluated: 2026-01-09. Review status: criteria provided, single submitter. Criteria: Invitae Variant Classification Sherloc (09022015). Collection method: clinical testing. Allele origin: germline.

GeneDx
Classification: Likely benign. Last evaluated: 2020-09-28. Review status: criteria provided, single submitter. Criteria: GeneDx Variant Classification Process June 2021. Collection method: clinical testing. Allele origin: germline. Affected: yes.

Illumina Laboratory Services, Illumina
Classification: Benign for Primary erythromelalgia. Last evaluated: 2018-01-12. Review status: criteria provided, single submitter. Criteria: ICSL Variant Classification Criteria 13 December 2019. Collection method: clinical testing. Allele origin: germline.
Comment: This variant was observed in the ICSL laboratory as part of a predisposition screen in an ostensibly healthy population. It had not been previously curated by ICSL or reported in the Human Gene Mutation Database (HGMD: prior to June 1st, 2018), and was therefore a candidate for classification through an automated scoring system. Utilizing variant allele frequency, disease prevalence and penetrance estimates, and inheritance mode, an automated score was calculated to assess if this variant is too frequent to cause the disease. Based on the score and internal cut-off values, a variant classified as benign is not then subjected to further curation. The score for this variant resulted in a classification of benign for this disease.

Illumina Laboratory Services, Illumina
Classification: Benign for Paroxysmal extreme pain disorder. Last evaluated: 2018-01-12. Review status: criteria provided, single submitter. Criteria: ICSL Variant Classification Criteria 13 December 2019. Collection method: clinical testing. Allele origin: germline.
Comment: the same text as in the submission from Illumina Laboratory Services, Illumina above.

Illumina Laboratory Services, Illumina
Classification: Uncertain significance for Channelopathy-associated congenital insensitivity to pain, autosomal recessive. Last evaluated: 2018-01-12. Review status: criteria provided, single submitter. Criteria: ICSL Variant Classification Criteria 13 December 2019. Collection method: clinical testing. Allele origin: germline.

Eurofins Ntd Llc (ga)
Classification: Likely benign. Last evaluated: 2017-08-08. Review status: criteria provided, single submitter. Criteria: EGL Classification Definitions 2015. Collection method: clinical testing. Allele origin: germline. Observed: 1 variant allele, 1 heterozygote.

NM_001365536.1(SCN9A):c.3020G>A (p.Arg1007His)

Genes: SCN1A-AS1 (SCN1A and SCN9A antisense RNA 1; plus strand), SCN9A (sodium voltage-gated channel alpha subunit 9; minus strand). Cytogenetic location: 2q24.3.
Variant type: single nucleotide variant.
Coding change: c.3020G>A on transcript NM_001365536.1 (MANE Select); coding-DNA position 3020, G replaced by A.
Protein change: p.Arg1007His; replaces arginine 1007 with histidine.
Molecular consequence: missense variant.
Genome position (GRCh38, 1-based): chr2:166,272,730, C>T on the plus strand (G>A on the coding strand, the complement: SCN9A is on the minus strand). VCF-style: chr2-166272730-C-T. GRCh37 (hg19) VCF-style: chr2-167129240-C-T.
Other names: c.2987G>A, p.Arg996His (NM_002977.4); short protein forms R996H, R1007H.
Identifiers: ClinVar variation 331974 (VCV000331974.23), dbSNP rs188145203, ClinGen allele CA1944153.